The following is an entry in ClinVar:

ClinVar aggregate classification (germline): Uncertain significance (1 of 4 stars; one submission).

Conditions:
Dilated cardiomyopathy 1G (CMD1G). Identifiers: Orphanet 154, MedGen C1858763, MONDO:0011400, OMIM 604145.
Autosomal recessive limb-girdle muscular dystrophy type 2J (LGMDR10). Also called: Limb-girdle muscular dystrophy, type 2J; MUSCULAR DYSTROPHY, LIMB-GIRDLE, AUTOSOMAL RECESSIVE 10. Identifiers: Orphanet 140922, MedGen C1837342, MONDO:0012127, OMIM 608807.

Allele frequency attached by ClinVar (database versions not stated): TOPMed below 0.00001.

Submission:

Labcorp Genetics (formerly Invitae), Labcorp
Classification: Uncertain significance for Dilated cardiomyopathy 1G; Autosomal recessive limb-girdle muscular dystrophy type 2J. Last evaluated: 2022-08-09. Review status: criteria provided, single submitter. Criteria: Invitae Variant Classification Sherloc (09022015). Collection method: clinical testing. Allele origin: germline.
Comment: In summary, the available evidence is currently insufficient to determine the role of this variant in disease. Therefore, it has been classified as a Variant of Uncertain Significance. This variant is located in the I band of TTN (PMID: 25589632). Variants in this region may be clinically relevant, but have not been definitively shown to cause cardiomyopathy or neuromuscular disease (PMID: 27493940, 32778822). Experimental studies and prediction algorithms are not available or were not evaluated, and the functional significance of this variant is currently unknown. ClinVar contains an entry for this variant (Variation ID: 964736). This missense change has been observed in individual(s) with congenital myopathy (Invitae). This variant is not present in population databases (gnomAD no frequency). This sequence change replaces proline, which is neutral and non-polar, with serine, which is neutral and polar, at codon 13119 of the TTN protein (p.Pro13119Ser).

Literature cited by the submitters: PubMed 25589632; PubMed 27493940; PubMed 32778822.

NM_001267550.2(TTN):c.39355C>T (p.Pro13119Ser)

Gene: TTN (titin; minus strand). Cytogenetic location: 2q31.2.
Variant type: single nucleotide variant.
Coding change: c.39355C>T on transcript NM_001267550.2 (MANE Select); coding-DNA position 39355, C replaced by T.
Protein change: p.Pro13119Ser; replaces proline 13119 with serine.
Molecular consequence: missense variant. On other transcripts: intron variant (3).
Genome position (GRCh38, 1-based): chr2:178,651,908, G>A on the plus strand (C>T on the coding strand, the complement: TTN is on the minus strand). VCF-style: chr2-178651908-G-A. GRCh37 (hg19) VCF-style: chr2-179516635-G-A.
Other names: c.34834C>T, p.Pro11612Ser (NM_001256850.1); c.32053C>T, p.Pro10685Ser (NM_133378.4); c.13283-9591C>T (NM_003319.4); c.13859-9591C>T (NM_133437.4); c.13658-9591C>T (NM_133432.3); short protein forms P13119S, P10685S, P11612S.
Identifiers: ClinVar variation 964736 (VCV000964736.8), dbSNP rs2063054787, ClinGen allele CA349457843.
Genomic context (GRCh38, chr2:178,651,908, plus strand): 5'-TGGCCGAGGTGTCCTAGCAGCTTTCTTGCCATGTACCTTGTGGAGGCGCCGCTGGCTCTG[G>A]CTCTTCCACAACTTCAGCAGGAGGCTCTTCTAGGGCAACTTCCTCAGGCTCCTCGAACAC-3'
Protein context (NP_001254479.2, residues 13109-13129): EEPPAEVVEE[Pro13119Ser]EPAAPPQVTV